The following is an entry in ClinVar:

ClinVar aggregate classification (germline): Uncertain significance (1 of 4 stars; one submission).

Conditions:
Familial thoracic aortic aneurysm and aortic dissection (TAAD). Also called: Thoracic aortic aneurysms and dissections. Identifiers: Orphanet 91387, MedGen C4707243, MONDO:0019625.
Hereditary cancer-predisposing syndrome. Also called: Neoplastic Syndromes, Hereditary; Tumor predisposition; Hereditary Cancer Syndrome; Hereditary neoplastic syndrome. Identifiers: Orphanet 140162, MedGen C0027672, MeSH D009386, MONDO:0015356.

Submission:

Ambry Genetics
Classification: Uncertain significance for Hereditary cancer-predisposing syndrome; Familial thoracic aortic aneurysm and aortic dissection. Last evaluated: 2015-03-09. Review status: criteria provided, single submitter. Criteria: Ambry Variant Classification Scheme 2023. Collection method: clinical testing. Allele origin: germline.
Comment: The p.G236R variant (also known as c.706G>A), located in coding exon 5 of the SMAD4 gene, results from a G to A substitution at nucleotide position 706. The glycine at codon 236 is replaced by arginine, an amino acid with dissimilar properties. This variant was not reported in population based cohorts in the following databases: Database of Single Nucleotide Polymorphisms (dbSNP), NHLBI Exome Sequencing Project (ESP), and 1000 Genomes Project. In the ESP, this variant was not observed in 6503 samples (13006 alleles) with coverage at this position. To date, this alteration has been detected with an allele frequency of approximately 0.005% (greater than 20000 alleles tested) in our clinical cohort. This amino acid position is highly conserved in available vertebrate species. In addition, this alteration is predicted to be deleterious by in silico analysis. Since supporting evidence is limited at this time, the clinical significance of p.G236R remains unclear.

NM_005359.6(SMAD4):c.706G>A (p.Gly236Arg)

Gene: SMAD4 (SMAD family member 4; plus strand). Cytogenetic location: 18q21.2.
Variant type: single nucleotide variant.
Coding change: c.706G>A on transcript NM_005359.6 (MANE Select); coding-DNA position 706, G replaced by A.
Protein change: p.Gly236Arg; replaces glycine 236 with arginine.
Molecular consequence: missense variant.
Genome position (GRCh38, 1-based): chr18:51,058,163, G>A. VCF-style: chr18-51058163-G-A. GRCh37 (hg19) VCF-style: chr18-48584533-G-A.
Other names: short protein forms G236R.
Identifiers: ClinVar variation 230812 (VCV000230812.5), dbSNP rs876658788, ClinGen allele CA10580979.